The following is an entry in ClinVar:

NM_000372.5(TYR):c.826T>C (p.Cys276Arg)

Gene: TYR (tyrosinase; plus strand). Cytogenetic location: 11q14.3.
Variant type: single nucleotide variant.
Coding change: c.826T>C on transcript NM_000372.5 (MANE Select); coding-DNA position 826, T replaced by C.
Protein change: p.Cys276Arg; replaces cysteine 276 with arginine.
Molecular consequence: missense variant.
Genome position (GRCh38, 1-based): chr11:89,191,208, T>C. VCF-style: chr11-89191208-T-C. GRCh37 (hg19) VCF-style: chr11-88924376-T-C.
Other names: short protein forms C276R.
Identifiers: ClinVar variation 2577279 (VCV002577279.3), dbSNP rs2496552273, ClinGen allele CA382035687.

ClinVar aggregate classification (germline): Pathogenic. Review status: criteria provided, multiple submitters, no conflicts (2 of 4 stars). 2 submissions from 2 submitters: Pathogenic (2). Last evaluated 2024-06-01.

Conditions:
Oculocutaneous albinism. Identifiers: Orphanet 55, MedGen C0078918, MONDO:0018910.

Allele frequency attached by ClinVar (database versions not stated): gnomAD exomes below 0.00001.
gnomAD v4.1: 2 of 1,613,458 alleles (0.00012%); highest among the groups gnomAD compares: Non-Finnish European, 0.00017%; no homozygotes.

Submissions (2):

Labcorp Genetics (formerly Invitae), Labcorp
Classification: Pathogenic. Last evaluated: 2024-06-01. Review status: criteria provided, single submitter. Criteria: Invitae Variant Classification Sherloc (09022015). Collection method: clinical testing. Allele origin: germline.
Comment: This sequence change replaces cysteine, which is neutral and slightly polar, with arginine, which is basic and polar, at codon 276 of the TYR protein (p.Cys276Arg). This variant is not present in population databases (gnomAD no frequency). This missense change has been observed in individual(s) with non-syndromic oculocutaneous albinism (PMID: 32849781; Invitae). It has also been observed to segregate with disease in related individuals. ClinVar contains an entry for this variant (Variation ID: 2577279). Advanced modeling of protein sequence and biophysical properties (such as structural, functional, and spatial information, amino acid conservation, physicochemical variation, residue mobility, and thermodynamic stability) performed at Invitae indicates that this missense variant is expected to disrupt TYR protein function with a positive predictive value of 80%. This variant disrupts the p.Cys276 amino acid residue in TYR. Other variant(s) that disrupt this residue have been determined to be pathogenic (PMID: 19060277, 23010199, 32115698, 34838614). This suggests that this residue is clinically significant, and that variants that disrupt this residue are likely to be disease-causing. For these reasons, this variant has been classified as Pathogenic.

Women's Health and Genetics/Laboratory Corporation of America, LabCorp
Classification: Pathogenic for Oculocutaneous albinism. Last evaluated: 2023-07-21. Review status: criteria provided, single submitter. Criteria: LabCorp Variant Classification Summary - May 2015. Collection method: clinical testing. Allele origin: germline.
Comment: Variant summary: TYR c.826T>C (p.Cys276Arg) results in a non-conservative amino acid change located in the Tyrosinase copper-binding domain (IPR002227) of the encoded protein sequence. This alters a highly conserved residue in which another missense variant has been found in association with oculocutaneous albinism (HGMD), and another nearby missense variant (p.Val275Phe) was classified as pathogenic by our lab, suggesting this may be a functionally important region of the protein. Five of five in-silico tools predict a damaging effect of the variant on protein function. The variant was absent in 250900 control chromosomes (gnomAD). c.826T>C has been reported in the literature in three related individuals affected with Oculocutaneous Albinism (Bibi_2020). These data indicate that the variant is very likely to be associated with disease. To our knowledge, no experimental evidence demonstrating an impact on protein function has been reported. The following publication has been ascertained in the context of this evaluation (PMID: 32849781). No submitters have cited clinical-significance assessments for this variant to ClinVar after 2014. Based on the evidence outlined above, the variant was classified as pathogenic.

Literature cited by the submitters: PubMed 32849781 (cited by Labcorp Genetics (formerly Invitae), Labcorp and Women's Health and Genetics/Laboratory Corporation of America, LabCorp); PubMed 19060277 (cited by Labcorp Genetics (formerly Invitae), Labcorp); PubMed 23010199 (cited by Labcorp Genetics (formerly Invitae), Labcorp); PubMed 32115698 (cited by Labcorp Genetics (formerly Invitae), Labcorp); PubMed 34838614 (cited by Labcorp Genetics (formerly Invitae), Labcorp).